The following is an entry in ClinVar:

NM_001083961.2(WDR62):c.2868-6C>G

Gene: WDR62 (WD repeat domain 62; plus strand). Cytogenetic location: 19q13.12.
Variant type: single nucleotide variant.
Coding change: c.2868-6C>G on transcript NM_001083961.2 (MANE Select); 6 bases into the intron before coding-DNA position 2868, C replaced by G.
Molecular consequence: intron variant.
Genome position (GRCh38, 1-based): chr19:36,101,208, C>G. VCF-style: chr19-36101208-C-G. GRCh37 (hg19) VCF-style: chr19-36592110-C-G.
Other names: c.2868-6C>G (NM_173636.5).
Identifiers: ClinVar variation 1383293 (VCV001383293.8), dbSNP rs1452112602, ClinGen allele CA881850404.

ClinVar aggregate classification (germline): Uncertain significance (1 of 4 stars; one submission).

Allele frequency attached by ClinVar (database versions not stated): TOPMed 0.00001.

Submission:

Labcorp Genetics (formerly Invitae), Labcorp
Classification: Uncertain significance. Last evaluated: 2021-02-25. Review status: criteria provided, single submitter. Criteria: Invitae Variant Classification Sherloc (09022015). Collection method: clinical testing. Allele origin: germline.
Comment: This sequence change falls in intron 23 of the WDR62 gene. It does not directly change the encoded amino acid sequence of the WDR62 protein. This variant is not present in population databases (ExAC no frequency). This variant has not been reported in the literature in individuals with WDR62-related conditions. Algorithms developed to predict the effect of sequence changes on RNA splicing suggest that this variant may disrupt the consensus splice site, but this prediction has not been confirmed by published transcriptional studies. In summary, the available evidence is currently insufficient to determine the role of this variant in disease. Therefore, it has been classified as a Variant of Uncertain Significance.